The following is an entry in ClinVar:

ClinVar aggregate classification (germline): Uncertain significance. Review status: criteria provided, multiple submitters, no conflicts (2 of 4 stars). 4 submissions from 4 submitters: Uncertain significance (4). Last evaluated 2024-06-01.

Conditions:
Neurodevelopmental disorder and structural brain anomalies with or without seizures and spasticity. Identifiers: MedGen C5394423, MONDO:0030046, OMIM 618890.

Allele frequency attached by ClinVar (database versions not stated): 1000 Genomes Project 0.00060; ExAC 0.00074; gnomAD exomes 0.00074 and 0.00116; 1000 Genomes Project 30x 0.00078; gnomAD 0.00088 and 0.00094; ESP Exome Variant Server 0.00110.
gnomAD v4.1: 1,803 of 1,602,716 alleles (0.11%); highest among the groups gnomAD compares: Non-Finnish European, 0.14%; 1 homozygote.

Submissions (4):

CeGaT Center for Human Genetics Tuebingen
Classification: Uncertain significance. Last evaluated: 2024-06-01. Review status: criteria provided, single submitter. Criteria: CeGaT Center For Human Genetics Tuebingen Variant Classification Criteria Version 2. Collection method: clinical testing. Allele origin: germline. Affected: yes. Observed: 2 variant alleles.

Fulgent Genetics
Classification: Uncertain significance for Neurodevelopmental disorder and structural brain anomalies with or without seizures and spasticity. Last evaluated: 2024-04-30. Review status: criteria provided, single submitter. Criteria: ACMG Guidelines, 2015. Collection method: clinical testing. Allele origin: germline.

Labcorp Genetics (formerly Invitae), Labcorp
Classification: Uncertain significance. Last evaluated: 2022-10-27. Review status: criteria provided, single submitter. Criteria: Invitae Variant Classification Sherloc (09022015). Collection method: clinical testing. Allele origin: germline.
Comment: This sequence change replaces glycine, which is neutral and non-polar, with valine, which is neutral and non-polar, at codon 1008 of the PTPN23 protein (p.Gly1008Val). This variant is present in population databases (rs56349424, gnomAD 0.1%), and has an allele count higher than expected for a pathogenic variant. This variant has not been reported in the literature in individuals affected with PTPN23-related conditions. ClinVar contains an entry for this variant (Variation ID: 1375606). Algorithms developed to predict the effect of missense changes on protein structure and function are either unavailable or do not agree on the potential impact of this missense change (SIFT: "Tolerated"; PolyPhen-2: "Not Available"; Align-GVGD: "Class C0"). In summary, the available evidence is currently insufficient to determine the role of this variant in disease. Therefore, it has been classified as a Variant of Uncertain Significance.

Breakthrough Genomics
Classification: Uncertain significance. Review status: criteria provided, single submitter. Criteria: ACMG Guidelines, 2015. Collection method: not provided. Allele origin: germline. Inheritance: Autosomal recessive inheritance. Affected: yes.

NM_015466.4(PTPN23):c.3023G>T (p.Gly1008Val)

Gene: PTPN23 (protein tyrosine phosphatase non-receptor type 23; plus strand). Cytogenetic location: 3p21.31.
Variant type: single nucleotide variant.
Coding change: c.3023G>T on transcript NM_015466.4 (MANE Select); coding-DNA position 3023, G replaced by T.
Protein change: p.Gly1008Val; replaces glycine 1008 with valine.
Molecular consequence: missense variant.
Genome position (GRCh38, 1-based): chr3:47,410,821, G>T. VCF-style: chr3-47410821-G-T. GRCh37 (hg19) VCF-style: chr3-47452311-G-T.
Other names: c.2645G>T, p.Gly882Val (NM_001304482.2); short protein forms G1008V, G882V.
Identifiers: ClinVar variation 1375606 (VCV001375606.33), dbSNP rs56349424, ClinGen allele CA2366171.
Genomic context (GRCh38, chr3:47,410,821, plus strand): 5'-CCCCAGGACTCCTACCCCCACAATCCCCCTACCCCTATGCCCCTCAGCCTGGGGTCCTGG[G>T]GCAGCCGCCACCCCCCCTACACACCCAGCTCTACCCAGGTCCCGCTCAAGACCCTCTGCC-3'
Protein context (NP_056281.1, residues 998-1018): YPYAPQPGVL[Gly1008Val]QPPPPLHTQL